The following is an entry in ClinVar:

ClinVar aggregate classification (germline): Uncertain significance (1 of 4 stars; one submission).

Conditions:
Bardet-Biedl syndrome (BBS). Identifiers: Orphanet 110, MedGen C0752166, MONDO:0015229.

gnomAD v4.1: 26 of 1,613,836 alleles (0.0016%); highest among the groups gnomAD compares: Non-Finnish European, 0.0022%; no homozygotes.

Submission:

Labcorp Genetics (formerly Invitae), Labcorp
Classification: Uncertain significance for Bardet-Biedl syndrome. Last evaluated: 2022-03-09. Review status: criteria provided, single submitter. Criteria: Invitae Variant Classification Sherloc (09022015). Collection method: clinical testing. Allele origin: germline.
Comment: This sequence change replaces valine, which is neutral and non-polar, with leucine, which is neutral and non-polar, at codon 182 of the BBS10 protein (p.Val182Leu). This variant is not present in population databases (gnomAD no frequency). This variant has not been reported in the literature in individuals affected with BBS10-related conditions. Algorithms developed to predict the effect of missense changes on protein structure and function (SIFT, PolyPhen-2, Align-GVGD) all suggest that this variant is likely to be tolerated. In summary, the available evidence is currently insufficient to determine the role of this variant in disease. Therefore, it has been classified as a Variant of Uncertain Significance.

NM_024685.4(BBS10):c.544G>C (p.Val182Leu)

Gene: BBS10 (Bardet-Biedl syndrome 10; minus strand). Cytogenetic location: 12q21.2.
Variant type: single nucleotide variant.
Coding change: c.544G>C on transcript NM_024685.4 (MANE Select); coding-DNA position 544, G replaced by C.
Protein change: p.Val182Leu; replaces valine 182 with leucine.
Molecular consequence: missense variant.
Genome position (GRCh38, 1-based): chr12:76,347,441, C>G on the plus strand (G>C on the coding strand, the complement: BBS10 is on the minus strand). VCF-style: chr12-76347441-C-G. GRCh37 (hg19) VCF-style: chr12-76741221-C-G.
Other names: short protein forms V182L.
Identifiers: ClinVar variation 1384776 (VCV001384776.5), dbSNP rs890996897, ClinGen allele CA239332355.
Genomic context (GRCh38, chr12:76,347,441, plus strand): 5'-TACACTTGAAAAAGTAGTCACACATCAACTGTGAAATAAATTTATGATTATTTCTTCCCA[C>G]TCTTCCACAAAAGTATGCTTCTAAGAGCAACTCTAAAGAGCTCCTACACAATGTTCTCTC-3'
Protein context (NP_078961.3, residues 172-192): LLLEAYFCGR[Val182Leu]GRNNHKFISQ